The following is an entry in ClinVar:

ClinVar aggregate classification (germline): Uncertain significance (1 of 4 stars; one submission).

Conditions:
Inborn genetic diseases. Identifiers: MedGen C0950123, MeSH D030342.

Allele frequency attached by ClinVar (database versions not stated): TOPMed below 0.00001; gnomAD exomes 0.00001.
gnomAD v4.1: 3 of 1,614,162 alleles (0.00019%); highest among the groups gnomAD compares: Admixed American, 0.005%; no homozygotes.

Submission:

Ambry Genetics
Classification: Uncertain significance for Inborn genetic diseases. Last evaluated: 2023-01-20. Review status: criteria provided, single submitter. Criteria: Ambry Variant Classification Scheme 2023. Collection method: clinical testing. Allele origin: germline.
Comment: The p.I63M variant (also known as c.189T>G), located in coding exon 2 of the RAD51 gene, results from a T to G substitution at nucleotide position 189. The isoleucine at codon 63 is replaced by methionine, an amino acid with highly similar properties. This amino acid position is conserved. In addition, the in silico prediction for this alteration is inconclusive. Since supporting evidence is limited at this time, the clinical significance of this alteration remains unclear.

NM_002875.5(RAD51):c.189T>G (p.Ile63Met)

Gene: RAD51 (RAD51 recombinase; plus strand). Cytogenetic location: 15q15.1.
Variant type: single nucleotide variant.
Coding change: c.189T>G on transcript NM_002875.5 (MANE Select); coding-DNA position 189, T replaced by G.
Protein change: p.Ile63Met; replaces isoleucine 63 with methionine.
Molecular consequence: missense variant.
Genome position (GRCh38, 1-based): chr15:40,701,165, T>G. VCF-style: chr15-40701165-T-G. GRCh37 (hg19) VCF-style: chr15-40993363-T-G.
Other names: c.189T>G, p.Ile63Met (NM_001164269.2, NM_001164270.2, NM_133487.4); short protein forms I63M.
Identifiers: ClinVar variation 2497666 (VCV002497666.2), dbSNP rs1427093630, ClinGen allele CA391746322.
Genomic context (GRCh38, chr15:40,701,165, plus strand): 5'-AGCTGGATTCCATACTGTGGAGGCTGTTGCCTATGCGCCAAAGAAGGAGCTAATAAATAT[T>G]AAGGGAATTAGTGAAGCCAAAGCTGATAAAATTCTGGTAAGTACTGCTTACTTAACCTAG-3'
Protein context (NP_002866.2, residues 53-73): AYAPKKELIN[Ile63Met]KGISEAKADK